The following is an entry in ClinVar:

ClinVar aggregate classification (germline): Uncertain significance (1 of 4 stars; one submission).

Allele frequency attached by ClinVar (database versions not stated): gnomAD exomes below 0.00001 and 0.00001; ExAC 0.00001; gnomAD 0.00001.
gnomAD v4.1: 2 of 1,614,196 alleles (0.00012%); highest among the groups gnomAD compares: Non-Finnish European, 0.000085%; no homozygotes.

Submission:

Labcorp Genetics (formerly Invitae), Labcorp
Classification: Uncertain significance. Last evaluated: 2024-10-21. Review status: criteria provided, single submitter. Criteria: Invitae Variant Classification Sherloc (09022015). Collection method: clinical testing. Allele origin: germline.
Comment: This sequence change replaces serine, which is neutral and polar, with proline, which is neutral and non-polar, at codon 1560 of the C2CD3 protein (p.Ser1560Pro). This variant is present in population databases (rs780023065, gnomAD 0.002%). This variant has not been reported in the literature in individuals affected with C2CD3-related conditions. ClinVar contains an entry for this variant (Variation ID: 1437561). Invitae Evidence Modeling of protein sequence and biophysical properties (such as structural, functional, and spatial information, amino acid conservation, physicochemical variation, residue mobility, and thermodynamic stability) indicates that this missense variant is not expected to disrupt C2CD3 protein function with a negative predictive value of 80%. In summary, the available evidence is currently insufficient to determine the role of this variant in disease. Therefore, it has been classified as a Variant of Uncertain Significance.

NM_001286577.2(C2CD3):c.4678T>C (p.Ser1560Pro)

Gene: C2CD3 (C2 domain containing 3 centriole elongation regulator; minus strand). Cytogenetic location: 11q13.4.
Variant type: single nucleotide variant.
Coding change: c.4678T>C on transcript NM_001286577.2 (MANE Select); coding-DNA position 4678, T replaced by C.
Protein change: p.Ser1560Pro; replaces serine 1560 with proline.
Molecular consequence: missense variant.
Genome position (GRCh38, 1-based): chr11:74,074,526, A>G on the plus strand (T>C on the coding strand, the complement: C2CD3 is on the minus strand). VCF-style: chr11-74074526-A-G. GRCh37 (hg19) VCF-style: chr11-73785571-A-G.
Other names: c.4678T>C, p.Ser1560Pro (NM_015531.6); short protein forms S1560P.
Identifiers: ClinVar variation 1437561 (VCV001437561.5), dbSNP rs780023065, ClinGen allele CA6182086.